The following is an entry in ClinVar:

NM_025137.4(SPG11):c.5644A>T (p.Ile1882Phe)

Gene: SPG11 (SPG11 vesicle trafficking associated, spatacsin; minus strand). Cytogenetic location: 15q21.1.
Variant type: single nucleotide variant.
Coding change: c.5644A>T on transcript NM_025137.4 (MANE Select); coding-DNA position 5644, A replaced by T.
Protein change: p.Ile1882Phe; replaces isoleucine 1882 with phenylalanine.
Molecular consequence: missense variant.
Genome position (GRCh38, 1-based): chr15:44,584,036, T>A on the plus strand (A>T on the coding strand, the complement: SPG11 is on the minus strand). VCF-style: chr15-44584036-T-A. GRCh37 (hg19) VCF-style: chr15-44876234-T-A.
Other names: p.Ile1882Phe; c.5644A>T, p.Ile1882Phe (NM_001160227.2); short protein forms I1882F.
Identifiers: ClinVar variation 943919 (VCV000943919.8), dbSNP rs200645188, ClinGen allele CA270079847.

ClinVar aggregate classification (germline): Uncertain significance. Review status: criteria provided, multiple submitters, no conflicts (2 of 4 stars). 2 submissions from 2 submitters: Uncertain significance (2). Last evaluated 2024-06-06.

Conditions:
Hereditary spastic paraplegia 11. Also called: Spastic Paraplegia 11; Nakamura Osame syndrome; Autosomal recessive hereditary spastic paraplegia, mental impairment, and thin corpus callosum; Spastic paraplegia, mental retardation and thin corpus callosum; SPASTIC PARAPLEGIA, AUTOSOMAL RECESSIVE, COMPLICATED, WITH THIN CORPUS CALLOSUM; SPASTIC PARAPLEGIA, AUTOSOMAL RECESSIVE, WITH MENTAL IMPAIRMENT AND THIN CORPUS CALLOSUM. Identifiers: Orphanet 2822, MedGen C1858479, MONDO:0011445, OMIM 604360.

Allele frequency attached by ClinVar (database versions not stated): gnomAD exomes below 0.00001.
gnomAD v4.1: 1 of 1,614,218 alleles (0.000062%); highest among the groups gnomAD compares: Non-Finnish European, 0.000085%; no homozygotes.

Submissions (2):

Mayo Clinic Laboratories, Mayo Clinic
Classification: Uncertain significance. Last evaluated: 2024-06-06. Review status: criteria provided, single submitter. Criteria: ACMG Guidelines, 2015. Collection method: clinical testing. Allele origin: germline. Observed: 1 variant allele.
Comment: PM2

Labcorp Genetics (formerly Invitae), Labcorp
Classification: Uncertain significance for Hereditary spastic paraplegia 11. Last evaluated: 2021-09-01. Review status: criteria provided, single submitter. Criteria: Invitae Variant Classification Sherloc (09022015). Collection method: clinical testing. Allele origin: germline.
Comment: This sequence change replaces isoleucine with phenylalanine at codon 1882 of the SPG11 protein (p.Ile1882Phe). The isoleucine residue is highly conserved and there is a small physicochemical difference between isoleucine and phenylalanine. This variant is not present in population databases (ExAC no frequency). This variant has not been reported in the literature in individuals affected with SPG11-related conditions. Algorithms developed to predict the effect of missense changes on protein structure and function are either unavailable or do not agree on the potential impact of this missense change (SIFT: "Deleterious"; PolyPhen-2: "Possibly Damaging"; Align-GVGD: "Class C0"). In summary, the available evidence is currently insufficient to determine the role of this variant in disease. Therefore, it has been classified as a Variant of Uncertain Significance.